The following is an entry in ClinVar:

ClinVar aggregate classification (germline): Likely pathogenic (1 of 4 stars; one submission).

Submission:

Labcorp Genetics (formerly Invitae), Labcorp
Classification: Likely pathogenic. Last evaluated: 2022-06-29. Review status: criteria provided, single submitter. Criteria: Invitae Variant Classification Sherloc (09022015). Collection method: clinical testing. Allele origin: germline.
Comment: This variant results in the deletion of part of exon 4 (c.535_539+2del) of the LMAN1 gene. It is expected to disrupt RNA splicing. Variants that disrupt the donor or acceptor splice site typically lead to a loss of protein function (PMID: 16199547), and loss-of-function variants in LMAN1 are known to be pathogenic (PMID: 10090935). This variant is not present in population databases (gnomAD no frequency). This variant has not been reported in the literature in individuals affected with LMAN1-related conditions. Algorithms developed to predict the effect of sequence changes on RNA splicing suggest that this variant may disrupt the consensus splice site. In summary, the currently available evidence indicates that the variant is pathogenic, but additional data are needed to prove that conclusively. Therefore, this variant has been classified as Likely Pathogenic.

Literature cited by the submitters: PubMed 16199547; PubMed 10090935.

NM_005570.4(LMAN1):c.535_539+2del

Gene: LMAN1 (lectin, mannose binding 1; minus strand). Cytogenetic location: 18q21.32.
Variant type: Deletion.
Coding change: c.535_539+2del on transcript NM_005570.4 (MANE Select); coding-DNA position 535 through the canonical splice donor site of the intron after coding-DNA position 539, 7 bases deleted (CAAAAGT; older notation c.535_539+2delCAAAAGT).
Molecular consequence: splice donor variant.
Genome position (GRCh38, 1-based): chr18:59,354,517-59,354,523, ACTTTTG deleted on the plus strand (CAAAAGT on the coding strand, the reverse complement: LMAN1 is on the minus strand); deleting any 7 consecutive bases within chr18:59,354,517-59,354,524 gives the same sequence; the c. name uses the placement nearest the transcript's 3' end. VCF-style (leftmost placement, unchanged base first): chr18-59354516-TACTTTTG-T. GRCh37 (hg19) VCF-style: chr18-57021748-TACTTTTG-T.
Identifiers: ClinVar variation 2200621 (VCV002200621.1), dbSNP rs2511517010, ClinGen allele CA2580095960.